The following is an entry in ClinVar:

ClinVar aggregate classification (germline): Uncertain significance. Review status: criteria provided, multiple submitters, no conflicts (2 of 4 stars). 2 submissions from 2 submitters: Uncertain significance (2). Last evaluated 2025-11-13.

Submissions (2):

Ambry Genetics
Classification: Uncertain significance. Last evaluated: 2025-11-13. Review status: criteria provided, single submitter. Criteria: Ambry Variant Classification Scheme 2023. Collection method: clinical testing. Allele origin: germline.

Labcorp Genetics (formerly Invitae), Labcorp
Classification: Uncertain significance. Last evaluated: 2022-08-15. Review status: criteria provided, single submitter. Criteria: Invitae Variant Classification Sherloc (09022015). Collection method: clinical testing. Allele origin: germline.
Comment: ClinVar contains an entry for this variant (Variation ID: 1476372). This variant has not been reported in the literature in individuals affected with HGF-related conditions. This variant is not present in population databases (gnomAD no frequency). This sequence change replaces leucine with valine at codon 590 of the HGF protein (p.Leu590Val). The leucine residue is moderately conserved and there is a small physicochemical difference between leucine and valine. Algorithms developed to predict the effect of missense changes on protein structure and function are either unavailable or do not agree on the potential impact of this missense change (SIFT: "Not Available"; PolyPhen-2: "Benign"; Align-GVGD: "Not Available"). In summary, the available evidence is currently insufficient to determine the role of this variant in disease. Therefore, it has been classified as a Variant of Uncertain Significance.

NM_000601.6(HGF):c.1768C>G (p.Leu590Val)

Gene: HGF (hepatocyte growth factor; minus strand). Cytogenetic location: 7q21.11.
Variant type: single nucleotide variant.
Coding change: c.1768C>G on transcript NM_000601.6 (MANE Select); coding-DNA position 1768, C replaced by G.
Protein change: p.Leu590Val; replaces leucine 590 with valine.
Molecular consequence: missense variant.
Genome position (GRCh38, 1-based): chr7:81,705,743, G>C on the plus strand (C>G on the coding strand, the complement: HGF is on the minus strand). VCF-style: chr7-81705743-G-C. GRCh37 (hg19) VCF-style: chr7-81335059-G-C.
Other names: c.1768C>G (NM_000601.4); c.1753C>G, p.Leu585Val (NM_001010932.3); short protein forms L585V, L590V.
Identifiers: ClinVar variation 1476372 (VCV001476372.9), dbSNP rs2115766882, ClinGen allele CA367872648.